The following is an entry in ClinVar:

ClinVar aggregate classification (germline): Uncertain significance (1 of 4 stars; one submission).

Submission:

GeneDx
Classification: Uncertain significance. Last evaluated: 2023-11-27. Review status: criteria provided, single submitter. Criteria: GeneDx Variant Classification Process June 2021. Collection method: clinical testing. Allele origin: germline. Affected: yes.
Comment: Not observed at significant frequency in large population cohorts (gnomAD); In silico analysis supports that this missense variant has a deleterious effect on protein structure/function; Has not been previously published as pathogenic or benign to our knowledge

NM_001385012.1(NBEA):c.8245A>G (p.Arg2749Gly)

Gene: NBEA (neurobeachin; plus strand). Cytogenetic location: 13q13.3.
Variant type: single nucleotide variant.
Coding change: c.8245A>G on transcript NM_001385012.1 (MANE Select); coding-DNA position 8245, A replaced by G.
Protein change: p.Arg2749Gly; replaces arginine 2749 with glycine.
Molecular consequence: missense variant.
Genome position (GRCh38, 1-based): chr13:35,655,632, A>G. VCF-style: chr13-35655632-A-G. GRCh37 (hg19) VCF-style: chr13-36229769-A-G.
Other names: c.1561A>G, p.Arg521Gly (NM_001204197.3); c.8236A>G, p.Arg2746Gly (NM_001379245.1); c.8182A>G, p.Arg2728Gly (NM_015678.5); short protein forms R2728G, R2746G, R2749G, R521G.
Identifiers: ClinVar variation 3364654 (VCV003364654.1).